The following is an entry in ClinVar:

ClinVar aggregate classification (germline): Pathogenic (1 of 4 stars; one submission).

Conditions:
Neuronal ceroid lipofuscinosis 7 (CLN7). Also called: MFSD8-Related Neuronal Ceroid-Lipofuscinosis. Identifiers: Orphanet 168491, Orphanet 228366, MedGen C1838571, MONDO:0012588, OMIM 610951.

Submission:

Labcorp Genetics (formerly Invitae), Labcorp
Classification: Pathogenic for Neuronal ceroid lipofuscinosis 7. Last evaluated: 2022-05-23. Review status: criteria provided, single submitter. Criteria: Invitae Variant Classification Sherloc (09022015). Collection method: clinical testing. Allele origin: germline.
Comment: This variant is a gross deletion of the genomic region encompassing exon(s) 2-3 of the MFSD8 gene, which includes the initiator codon. This deletion extends beyond the assayed region for this gene and therefore may encompass additional genes. It is expected to result in an absent or disrupted protein product. Loss-of-function variants in MFSD8 are known to be pathogenic (PMID: 19177532, 25227500, 28586915). This variant has not been reported in the literature in individuals affected with MFSD8-related conditions. For these reasons, this variant has been classified as Pathogenic.

Literature cited by the submitters: PubMed 19177532; PubMed 25227500; PubMed 28586915.

NC_000004.11:g.(?_128878636)_(128886288_?)del

Gene: MFSD8 (major facilitator superfamily domain containing 8; minus strand). Cytogenetic location: 4q28.2.
Variant type: Deletion.
Identifiers: ClinVar variation 2427415 (VCV002427415.2).